The following is an entry in ClinVar:

NM_198253.3(TERT):c.2971G>A (p.Val991Met)

Gene: TERT (telomerase reverse transcriptase; minus strand). Cytogenetic location: 5p15.33.
Variant type: single nucleotide variant.
Coding change: c.2971G>A on transcript NM_198253.3 (MANE Select); coding-DNA position 2971, G replaced by A.
Protein change: p.Val991Met; replaces valine 991 with methionine.
Molecular consequence: missense variant. On other transcripts: non-coding transcript variant (2).
Genome position (GRCh38, 1-based): chr5:1,258,659, C>T on the plus strand (G>A on the coding strand, the complement: TERT is on the minus strand). VCF-style: chr5-1258659-C-T. GRCh37 (hg19) VCF-style: chr5-1258774-C-T.
Other names: c.2782G>A, p.Val928Met (NM_001193376.3); c.2971G>A, p.Val991Met (NM_003219.1); short protein forms V928M, V991M.
Identifiers: ClinVar variation 3238588 (VCV003238588.1), dbSNP rs1187988619.
Genomic context (GRCh38, chr5:1,258,659, plus strand): 5'-TGTACGCCTGCAGCAGGAGGATCTTGTAGATGTTGGTGCACACCGTCTGGAGGCTGTTCA[C>T]CTAGAGTCGCCAAGAAAGAGTGAGAAACGGTAGAAACCTCTCTGGGATTTTAAGTTTTTA-3'
Protein context (NP_937983.2, residues 981-1001): KCHSLFLDLQ[Val991Met]NSLQTVCTNI

ClinVar aggregate classification (germline): Uncertain significance (1 of 4 stars; one submission).

Conditions:
Dyskeratosis congenita. Identifiers: Orphanet 1775, MedGen C0265965, MONDO:0015780.

Allele frequency attached by ClinVar (database versions not stated): gnomAD exomes below 0.00001.
gnomAD v4.1: 1 of 1,565,782 alleles (0.000064%); no homozygotes.

Submission:

Ambry Genetics
Classification: Uncertain significance for Dyskeratosis congenita. Last evaluated: 2023-04-30. Review status: criteria provided, single submitter. Criteria: Ambry Variant Classification Scheme 2023. Collection method: clinical testing. Allele origin: germline.
Comment: The p.V991M variant (also known as c.2971G>A) is located in coding exon 13 of the TERT gene. The valine at codon 991 is replaced by methionine, an amino acid with highly similar properties. This change occurs in the first base pair of coding exon 13. This amino acid position is conserved. In addition, this alteration is predicted to be tolerated by in silico analysis. Since supporting evidence is limited at this time, the clinical significance of this alteration remains unclear.